The following is an entry in ClinVar:

ClinVar aggregate classification (germline): Uncertain significance (1 of 4 stars; one submission).

Conditions:
Pityriasis rubra pilaris (PRP). Also called: Pityriasis rubra pilaris--familial type. Identifiers: Orphanet 2897, MedGen C0032027, MONDO:0100017, OMIM 173200, MONDO:0008251.
Psoriasis 2. Identifiers: MedGen C1864497, MONDO:0011269, OMIM 602723.

gnomAD v4.1: 2 of 1,613,822 alleles (0.00012%); highest among the groups gnomAD compares: Non-Finnish European, 0.000085%; no homozygotes.

Submission:

Labcorp Genetics (formerly Invitae), Labcorp
Classification: Uncertain significance for Pityriasis rubra pilaris; Psoriasis 2. Last evaluated: 2025-02-06. Review status: criteria provided, single submitter. Criteria: Invitae Variant Classification Sherloc (09022015). Collection method: clinical testing. Allele origin: germline.
Comment: This sequence change replaces alanine, which is neutral and non-polar, with threonine, which is neutral and polar, at codon 836 of the CARD14 protein (p.Ala836Thr). This variant is present in population databases (rs760484322, gnomAD 0.0009%). This variant has not been reported in the literature in individuals affected with CARD14-related conditions. Invitae Evidence Modeling of protein sequence and biophysical properties (such as structural, functional, and spatial information, amino acid conservation, physicochemical variation, residue mobility, and thermodynamic stability) indicates that this missense variant is not expected to disrupt CARD14 protein function with a negative predictive value of 95%. In summary, the available evidence is currently insufficient to determine the role of this variant in disease. Therefore, it has been classified as a Variant of Uncertain Significance.

NM_001366385.1(CARD14):c.2506G>A (p.Ala836Thr)

Genes: CARD14 (caspase recruitment domain family member 14; plus strand), SGSH (N-sulfoglucosamine sulfohydrolase; minus strand), LOC126862662 (MED14-independent group 3 enhancer GRCh37_chr17:78178385-78179584; plus strand). Cytogenetic location: 17q25.3.
Variant type: single nucleotide variant.
Coding change: c.2506G>A on transcript NM_001366385.1 (MANE Select); coding-DNA position 2506, G replaced by A.
Protein change: p.Ala836Thr; replaces alanine 836 with threonine.
Molecular consequence: missense variant. On other transcripts: non-coding transcript variant (1).
Genome position (GRCh38, 1-based): chr17:80,205,142, G>A. VCF-style: chr17-80205142-G-A. GRCh37 (hg19) VCF-style: chr17-78178941-G-A.
Other names: c.2506G>A, p.Ala836Thr (NM_024110.4); short protein forms A836T.
Identifiers: ClinVar variation 4792592 (VCV004792592.1).
Genomic context (GRCh38, chr17:80,205,142, plus strand): 5'-TATACCCTGGTGCGGCCCCATCGACCCGCCCGGCCCCGGCCTGTGCTCCTCGTGCCCAGG[G>A]CGGTTGGGAAGATCCTGAGCGAGAAACTGTGCCTCCTCCAAGGGTTTAAGAAGTGCCTGG-3'
Protein context (NP_001353314.1, residues 826-846): RPRPVLLVPR[Ala836Thr]VGKILSEKLC